The following is an entry in ClinVar:

NM_020778.5(ALPK3):c.4648A>G (p.Met1550Val)

Gene: ALPK3 (alpha kinase 3; plus strand). Cytogenetic location: 15q25.3.
Variant type: single nucleotide variant.
Coding change: c.4648A>G on transcript NM_020778.5 (MANE Select); coding-DNA position 4648, A replaced by G.
Protein change: p.Met1550Val; replaces methionine 1550 with valine.
Molecular consequence: missense variant.
Genome position (GRCh38, 1-based): chr15:84,864,590, A>G. VCF-style: chr15-84864590-A-G. GRCh37 (hg19) VCF-style: chr15-85407821-A-G.
Other names: c.5254A>G (NM_020778.4); short protein forms M1550V.
Identifiers: ClinVar variation 1991077 (VCV001991077.6), dbSNP rs754450238, ClinGen allele CA7710044.
Genomic context (GRCh38, chr15:84,864,590, plus strand): 5'-TACTGTTCTCGGGAATGGGGCTGTGCTGAGGCTCCGACAGCATCTGGCAGCTCTGAGGCC[A>G]TGCAGAAATGCCAGACCTTCCAACACTGGCTGTATCAGTGGACAAATGGCAGCTTCCTTG-3'
Protein context (NP_065829.4, residues 1540-1560): APTASGSSEA[Met1550Val]QKCQTFQHWL

ClinVar aggregate classification (germline): Conflicting classifications of pathogenicity. Review status: criteria provided, conflicting classifications (1 of 4 stars). 3 submissions from 3 submitters: Uncertain significance (2); Likely benign (1). Last evaluated 2026-03-25.

Conditions:
Cardiovascular phenotype. Identifiers: MedGen CN230736.

Allele frequency attached by ClinVar (database versions not stated): gnomAD exomes below 0.00001; gnomAD 0.00001; ExAC 0.00001; TOPMed 0.00002.

Submissions (3):

GeneDx
Classification: Uncertain significance. Last evaluated: 2026-03-25. Review status: criteria provided, single submitter. Criteria: GeneDx Variant Classification Process June 2021. Collection method: clinical testing. Allele origin: germline.
Comment: Not observed at significant frequency in large population cohorts (gnomAD); In silico analysis suggests that this missense variant does not alter protein structure/function; Has not been previously published as pathogenic or benign to our knowledge

Labcorp Genetics (formerly Invitae), Labcorp
Classification: Uncertain significance. Last evaluated: 2025-08-18. Review status: criteria provided, single submitter. Criteria: Invitae Variant Classification Sherloc (09022015). Collection method: clinical testing. Allele origin: germline.
Comment: This sequence change replaces methionine, which is neutral and non-polar, with valine, which is neutral and non-polar, at codon 1752 of the ALPK3 protein (p.Met1752Val). This variant is present in population databases (rs754450238, gnomAD 0.0009%). This variant has not been reported in the literature in individuals affected with ALPK3-related conditions. ClinVar contains an entry for this variant (Variation ID: 1991077). Invitae Evidence Modeling of protein sequence and biophysical properties (such as structural, functional, and spatial information, amino acid conservation, physicochemical variation, residue mobility, and thermodynamic stability) indicates that this missense variant is not expected to disrupt ALPK3 protein function with a negative predictive value of 80%. In summary, the available evidence is currently insufficient to determine the role of this variant in disease. Therefore, it has been classified as a Variant of Uncertain Significance.

Ambry Genetics
Classification: Likely benign for Cardiovascular phenotype. Last evaluated: 2023-11-29. Review status: criteria provided, single submitter. Criteria: Ambry Variant Classification Scheme 2023. Collection method: clinical testing. Allele origin: germline.